The following is an entry in ClinVar:

ClinVar aggregate classification (germline): Uncertain significance (1 of 4 stars; one submission).

Conditions:
Dextro-looped transposition of the great arteries. Also called: Dextrotransposition of the great arteries. Identifiers: Orphanet 860, MedGen C3531771, MONDO:0019443, OMIM 608808, HP:0031348.

gnomAD v4.1: 18 of 1,614,062 alleles (0.0011%); highest among the groups gnomAD compares: South Asian, 0.0077%; no homozygotes.

Submission:

Labcorp Genetics (formerly Invitae), Labcorp
Classification: Uncertain significance for Dextro-looped transposition of the great arteries. Last evaluated: 2025-01-23. Review status: criteria provided, single submitter. Criteria: Invitae Variant Classification Sherloc (09022015). Collection method: clinical testing. Allele origin: germline.
Comment: This sequence change replaces serine, which is neutral and polar, with threonine, which is neutral and polar, at codon 1570 of the MED13L protein (p.Ser1570Thr). This variant is present in population databases (rs764384525, gnomAD 0.003%). This variant has not been reported in the literature in individuals affected with MED13L-related conditions. Invitae Evidence Modeling of protein sequence and biophysical properties (such as structural, functional, and spatial information, amino acid conservation, physicochemical variation, residue mobility, and thermodynamic stability) indicates that this missense variant is not expected to disrupt MED13L protein function with a negative predictive value of 80%. In summary, the available evidence is currently insufficient to determine the role of this variant in disease. Therefore, it has been classified as a Variant of Uncertain Significance.

NM_015335.5(MED13L):c.4708T>A (p.Ser1570Thr)

Gene: MED13L (mediator complex subunit 13L; minus strand). Cytogenetic location: 12q24.21.
Variant type: single nucleotide variant.
Coding change: c.4708T>A on transcript NM_015335.5 (MANE Select); coding-DNA position 4708, T replaced by A.
Protein change: p.Ser1570Thr; replaces serine 1570 with threonine.
Molecular consequence: missense variant.
Genome position (GRCh38, 1-based): chr12:115,983,364, A>T on the plus strand (T>A on the coding strand, the complement: MED13L is on the minus strand). VCF-style: chr12-115983364-A-T. GRCh37 (hg19) VCF-style: chr12-116421169-A-T.
Other names: short protein forms S1570T.
Identifiers: ClinVar variation 3604051 (VCV003604051.2).
Genomic context (GRCh38, chr12:115,983,364, plus strand): 5'-ACGATGAGACCGGTGGCACAGAGGAACCAGATGCAGAACTACTTGCTGCAGGATTTGTAG[A>T]ACTACTATTCGAGGTGGGATTAAATGCACTGCCAGCTGGGGGAGCTGCTGATCCATTTGG-3'
Protein context (NP_056150.1, residues 1560-1580): SAFNPTSNSS[Ser1570Thr]TNPAASSSAS